The following is an entry in ClinVar:

ClinVar aggregate classification (germline): Uncertain significance (1 of 4 stars; one submission).

Conditions:
Megaconial type congenital muscular dystrophy (MDCMC). Also called: CHKB-Related Muscle Diseases; MUSCULAR DYSTROPHY, CONGENITAL, WITH MITOCHONDRIAL STRUCTURAL ABNORMALITIES; CHKB-Related Muscular Dystrophy. Identifiers: Orphanet 280671, MedGen C1865233, MONDO:0011246, OMIM 602541.

Allele frequency attached by ClinVar (database versions not stated): gnomAD exomes below 0.00001 and 0.00001; ExAC 0.00001.

Submission:

Labcorp Genetics (formerly Invitae), Labcorp
Classification: Uncertain significance for Megaconial type congenital muscular dystrophy. Last evaluated: 2021-08-01. Review status: criteria provided, single submitter. Criteria: Invitae Variant Classification Sherloc (09022015). Collection method: clinical testing. Allele origin: germline.
Comment: Algorithms developed to predict the effect of missense changes on protein structure and function are either unavailable or do not agree on the potential impact of this missense change (SIFT: "Tolerated"; PolyPhen-2: "Possibly Damaging"; Align-GVGD: "Class C0"). This variant has not been reported in the literature in individuals affected with CHKB-related conditions. This variant is present in population databases (rs756445442, ExAC 0.006%). This sequence change replaces isoleucine with valine at codon 125 of the CHKB protein (p.Ile125Val). The isoleucine residue is moderately conserved and there is a small physicochemical difference between isoleucine and valine. In summary, the available evidence is currently insufficient to determine the role of this variant in disease. Therefore, it has been classified as a Variant of Uncertain Significance.

NM_005198.5(CHKB):c.373A>G (p.Ile125Val)

Genes: CHKB (choline kinase beta; minus strand), CHKB-CPT1B (CHKB-CPT1B readthrough (NMD candidate); minus strand). Cytogenetic location: 22q13.33.
Variant type: single nucleotide variant.
Coding change: c.373A>G on transcript NM_005198.5 (MANE Select); coding-DNA position 373, A replaced by G.
Protein change: p.Ile125Val; replaces isoleucine 125 with valine.
Molecular consequence: missense variant. On other transcripts: non-coding transcript variant (1).
Genome position (GRCh38, 1-based): chr22:50,581,823, T>C on the plus strand (A>G on the coding strand, the complement: CHKB is on the minus strand). VCF-style: chr22-50581823-T-C. GRCh37 (hg19) VCF-style: chr22-51020252-T-C.
Other names: short protein forms I125V.
Identifiers: ClinVar variation 1442491 (VCV001442491.6), dbSNP rs756445442, ClinGen allele CA10323793.